The following is an entry in ClinVar:

ClinVar aggregate classification (germline): Uncertain significance (1 of 4 stars; one submission).

Submission:

Labcorp Genetics (formerly Invitae), Labcorp
Classification: Uncertain significance. Last evaluated: 2025-03-17. Review status: criteria provided, single submitter. Criteria: Invitae Variant Classification Sherloc (09022015). Collection method: clinical testing. Allele origin: germline.
Comment: This sequence change replaces asparagine, which is neutral and polar, with isoleucine, which is neutral and non-polar, at codon 248 of the KCNV2 protein (p.Asn248Ile). This variant is not present in population databases (gnomAD no frequency). This variant has not been reported in the literature in individuals affected with KCNV2-related conditions. ClinVar contains an entry for this variant (Variation ID: 2134865). Invitae Evidence Modeling of protein sequence and biophysical properties (such as structural, functional, and spatial information, amino acid conservation, physicochemical variation, residue mobility, and thermodynamic stability) has been performed for this missense variant. However, the output from this modeling did not meet the statistical confidence thresholds required to predict the impact of this variant on KCNV2 protein function. In summary, the available evidence is currently insufficient to determine the role of this variant in disease. Therefore, it has been classified as a Variant of Uncertain Significance.

NM_133497.4(KCNV2):c.743A>T (p.Asn248Ile)

Gene: KCNV2 (potassium voltage-gated channel modifier subfamily V member 2; plus strand). Cytogenetic location: 9p24.2.
Variant type: single nucleotide variant.
Coding change: c.743A>T on transcript NM_133497.4 (MANE Select); coding-DNA position 743, A replaced by T.
Protein change: p.Asn248Ile; replaces asparagine 248 with isoleucine.
Molecular consequence: missense variant.
Genome position (GRCh38, 1-based): chr9:2,718,482, A>T. VCF-style: chr9-2718482-A-T. GRCh37 (hg19) VCF-style: chr9-2718482-A-T.
Other names: short protein forms N248I.
Identifiers: ClinVar variation 2134865 (VCV002134865.4), dbSNP rs2536972594, ClinGen allele CA372799014.